The following is an entry in ClinVar:

ClinVar aggregate classification (germline): Uncertain significance (1 of 4 stars; one submission).

Conditions:
Myasthenic syndrome, congenital, 22 (CMS22). Also called: PREPL DEFICIENCY. Identifiers: MedGen C4479088, MONDO:0044299, OMIM 616224.

gnomAD v4.1: 4 of 1,613,814 alleles (0.00025%); highest among the groups gnomAD compares: Non-Finnish European, 0.00034%; no homozygotes.

Submission:

Labcorp Genetics (formerly Invitae), Labcorp
Classification: Uncertain significance for Myasthenic syndrome, congenital, 22. Last evaluated: 2022-05-30. Review status: criteria provided, single submitter. Criteria: Invitae Variant Classification Sherloc (09022015). Collection method: clinical testing. Allele origin: germline.
Comment: In summary, the available evidence is currently insufficient to determine the role of this variant in disease. Therefore, it has been classified as a Variant of Uncertain Significance. Algorithms developed to predict the effect of missense changes on protein structure and function are either unavailable or do not agree on the potential impact of this missense change (SIFT: "Tolerated"; PolyPhen-2: "Possibly Damaging"; Align-GVGD: "Class C0"). This variant has not been reported in the literature in individuals affected with PREPL-related conditions. This variant is not present in population databases (gnomAD no frequency). This sequence change replaces isoleucine, which is neutral and non-polar, with methionine, which is neutral and non-polar, at codon 664 of the PREPL protein (p.Ile664Met).

NM_001171613.2(PREPL):c.1725C>G (p.Ile575Met)

Gene: PREPL (prolyl endopeptidase like; minus strand). Cytogenetic location: 2p21.
Variant type: single nucleotide variant.
Coding change: c.1725C>G on transcript NM_001171613.2 (MANE Select); coding-DNA position 1725, C replaced by G.
Protein change: p.Ile575Met; replaces isoleucine 575 with methionine.
Molecular consequence: missense variant.
Genome position (GRCh38, 1-based): chr2:44,322,759, G>C on the plus strand (C>G on the coding strand, the complement: PREPL is on the minus strand). VCF-style: chr2-44322759-G-C. GRCh37 (hg19) VCF-style: chr2-44549898-G-C.
Other names: c.1806C>G, p.Ile602Met (NM_001042385.2); c.1794C>G, p.Ile598Met (NM_001042386.2); c.1992C>G, p.Ile664Met (NM_001171603.1, NM_001171606.2, NM_001374275.1 and 2 more transcripts); c.1725C>G, p.Ile575Met (NM_001171617.1, NM_001374277.1); short protein forms I598M, I602M, I664M, I575M.
Identifiers: ClinVar variation 2058928 (VCV002058928.4), dbSNP rs775908458, ClinGen allele CA346688454.